The following is an entry in ClinVar:

ClinVar aggregate classification (germline): Benign. Review status: criteria provided, multiple submitters, no conflicts (2 of 4 stars). 3 submissions from 3 submitters: Benign (2). 1 of the submissions does not count toward it. Last evaluated 2019-12-31.

Conditions:
XIRP2-related disorder. Also called: XIRP2-related condition.

Allele frequency attached by ClinVar (database versions not stated): ESP Exome Variant Server 0.00076; gnomAD exomes 0.00370 and 0.00959; gnomAD 0.00459 and 0.00530; TOPMed 0.00673; ExAC 0.00832; 1000 Genomes Project 30x 0.00984; 1000 Genomes Project 0.00998.
gnomAD v4.1: 6,297 of 1,613,630 alleles (0.39%); highest among the groups gnomAD compares: East Asian, 4.1%; 110 homozygotes.

Submissions (3):

Labcorp Genetics (formerly Invitae), Labcorp
Classification: Benign. Last evaluated: 2019-12-31. Review status: criteria provided, single submitter. Criteria: Invitae Variant Classification Sherloc (09022015). Collection method: clinical testing. Allele origin: germline.

Breakthrough Genomics
Classification: Benign. Review status: criteria provided, single submitter. Criteria: ACMG Guidelines, 2015. Collection method: not provided. Allele origin: germline. Inheritance: Unknown mechanism. Affected: yes.

PreventionGenetics, part of Exact Sciences
Classification: Benign for XIRP2-related condition. Last evaluated: 2019-03-20. Review status: no assertion criteria provided. Collection method: clinical testing. Allele origin: germline. Not counted in ClinVar's aggregate classification.
Comment: This variant is classified as benign based on ACMG/AMP sequence variant interpretation guidelines (Richards et al. 2015 PMID: 25741868, with internal and published modifications).

NM_152381.6(XIRP2):c.9133A>G (p.Lys3045Glu)

Gene: XIRP2 (xin actin binding repeat containing 2; plus strand). Cytogenetic location: 2q24.3.
Variant type: single nucleotide variant.
Coding change: c.9133A>G on transcript NM_152381.6 (MANE Select); coding-DNA position 9133, A replaced by G.
Protein change: p.Lys3045Glu; replaces lysine 3045 with glutamic acid.
Molecular consequence: missense variant. On other transcripts: intron variant (3).
Genome position (GRCh38, 1-based): chr2:167,250,525, A>G. VCF-style: chr2-167250525-A-G. GRCh37 (hg19) VCF-style: chr2-168107035-A-G.
Other names: c.8467A>G, p.Lys2823Glu (NM_001199144.2); c.1276-3507A>G (NM_001199143.2); c.1177-3507A>G (NM_001079810.4); c.511-3507A>G (NM_001199145.2); c.9133A>G (NM_152381.5); short protein forms K3045E, K2823E.
Identifiers: ClinVar variation 770131 (VCV000770131.7), dbSNP rs143084183, ClinGen allele CA1947959.
Genomic context (GRCh38, chr2:167,250,525, plus strand): 5'-TCCTATGAAAATATAATTCAGACAGCCATGATGTCCTCCAAAACAGGAAAACCGGGAAAT[A>G]AACCCACTAGTCTTGATGAAACATCATCCAAAGTATCTAATGTTCATGTCAGCAATAATA-3'
Protein context (NP_689594.4, residues 3035-3055): MSSKTGKPGN[Lys3045Glu]PTSLDETSSK